The following is an entry in ClinVar:

ClinVar aggregate classification (germline): Uncertain significance. Review status: criteria provided, multiple submitters, no conflicts (2 of 4 stars). 2 submissions from 2 submitters: Uncertain significance (2). Last evaluated 2023-04-05.

Conditions:
Hereditary cancer-predisposing syndrome. Also called: Tumor predisposition; Hereditary Cancer Syndrome; Hereditary neoplastic syndrome; Neoplastic Syndromes, Hereditary. Identifiers: Orphanet 140162, MedGen C0027672, MeSH D009386, MONDO:0015356.
Familial adenomatous polyposis 1 (FAP1). Also called: FAMILIAL ADENOMATOUS POLYPOSIS 1, ATTENUATED; POLYPOSIS, ADENOMATOUS INTESTINAL. Identifiers: MedGen C2713442, MONDO:0021056, OMIM 175100. Disease mechanism: loss of function.

Submissions (2):

Ambry Genetics
Classification: Uncertain significance for Hereditary cancer-predisposing syndrome. Last evaluated: 2023-04-05. Review status: criteria provided, single submitter. Criteria: Ambry Variant Classification Scheme 2023. Collection method: clinical testing. Allele origin: germline.
Comment: The p.H785Y variant (also known as c.2353C>T), located in coding exon 15 of the APC gene, results from a C to T substitution at nucleotide position 2353. The histidine at codon 785 is replaced by tyrosine, an amino acid with similar properties. This amino acid position is highly conserved in available vertebrate species. In addition, in silico predictors for this gene do not accurately predict pathogenicity. Since supporting evidence is limited at this time, the clinical significance of this alteration remains unclear.

Labcorp Genetics (formerly Invitae), Labcorp
Classification: Uncertain significance for Familial adenomatous polyposis 1. Last evaluated: 2019-07-14. Review status: criteria provided, single submitter. Criteria: Invitae Variant Classification Sherloc (09022015). Collection method: clinical testing. Allele origin: germline.
Comment: In summary, the available evidence is currently insufficient to determine the role of this variant in disease. Therefore, it has been classified as a Variant of Uncertain Significance. Algorithms developed to predict the effect of missense changes on protein structure and function are either unavailable or do not agree on the potential impact of this missense change (SIFT: "Deleterious"; PolyPhen-2: "Possibly Damaging"; Align-GVGD: "Class C15"). This variant has not been reported in the literature in individuals with APC-related conditions. ClinVar contains an entry for this variant (Variation ID: 487039). This variant is not present in population databases (ExAC no frequency). This sequence change replaces histidine with tyrosine at codon 785 of the APC protein (p.His785Tyr). The histidine residue is highly conserved and there is a moderate physicochemical difference between histidine and tyrosine.

NM_000038.6(APC):c.2353C>T (p.His785Tyr)

Gene: APC (APC regulator of Wnt signaling pathway; plus strand). Cytogenetic location: 5q22.2.
Variant type: single nucleotide variant.
Coding change: c.2353C>T on transcript NM_000038.6 (MANE Select); coding-DNA position 2353, C replaced by T.
Protein change: p.His785Tyr; replaces histidine 785 with tyrosine.
Molecular consequence: missense variant.
Genome position (GRCh38, 1-based): chr5:112,837,947, C>T. VCF-style: chr5-112837947-C-T. GRCh37 (hg19) VCF-style: chr5-112173644-C-T.
Other names: c.2353C>T, p.His785Tyr (NM_001127510.3, NM_001354895.2); c.2299C>T, p.His767Tyr (NM_001127511.3); c.2407C>T, p.His803Tyr (NM_001354896.2); c.2383C>T, p.His795Tyr (NM_001354897.2); c.2278C>T, p.His760Tyr (NM_001354898.2); c.2269C>T, p.His757Tyr (NM_001354899.2); c.2230C>T, p.His744Tyr (NM_001354900.2); c.2176C>T, p.His726Tyr (NM_001354901.2); and 5 more; short protein forms H767Y, H785Y, H684Y, H694Y, H757Y, H502Y, H659Y, H744Y.
Identifiers: ClinVar variation 487039 (VCV000487039.17), dbSNP rs1554084086, ClinGen allele CA16026496.